The following is an entry in ClinVar:

ClinVar aggregate classification (germline): Benign (1 of 4 stars; one submission).

Submission:

Unidad de Genómica Garrahan, Hospital de Pediatría Garrahan
Classification: Benign. Last evaluated: 2024-07-31. Review status: criteria provided, single submitter. Criteria: ACMG Guidelines, 2015. Collection method: clinical testing. Allele origin: germline. Affected: no. Observed: 93 variant alleles.
Comment: This variant is classified as Benign based on local population frequency. This variant was detected in 100% of patients studied in a panel designed for Epileptic and Developmental Encephalopathy, Progressive Myoclonus Epilepsy and Abnormal Movements and Neurodegeneration with brain iron accumulation. Number of patients: 93. Only high quality variants are reported.

NM_001029896.2(WDR45):c.131-40G>A

Genes: WDR45 (WD repeat domain 45; minus strand), LOC126863256 (BRD4-independent group 4 enhancer GRCh37_chrX:48934848-48936047; plus strand). Cytogenetic location: Xp11.23.
Variant type: single nucleotide variant.
Coding change: c.131-40G>A on transcript NM_001029896.2 (MANE Select); 40 bases into the intron before coding-DNA position 131, G replaced by A.
Molecular consequence: intron variant.
Genome position (GRCh38, 1-based): chrX:49,077,787, C>T on the plus strand (G>A on the coding strand, the complement: WDR45 is on the minus strand). VCF-style: chrX-49077787-C-T. GRCh37 (hg19) VCF-style: chrX-48935446-T-T.
Other names: c.131-40G>A (NM_007075.4).
Identifiers: ClinVar variation 3256844 (VCV003256844.2).